The following is an entry in ClinVar:

ClinVar aggregate classification (germline): Uncertain significance. Review status: criteria provided, multiple submitters, no conflicts (2 of 4 stars). 2 submissions from 2 submitters: Uncertain significance (2). Last evaluated 2024-06-10.

Conditions:
Hereditary cancer-predisposing syndrome. Also called: Hereditary neoplastic syndrome; Neoplastic Syndromes, Hereditary; Tumor predisposition; Hereditary Cancer Syndrome. Identifiers: Orphanet 140162, MedGen C0027672, MeSH D009386, MONDO:0015356.
Ataxia-telangiectasia syndrome (AT). Also called: LOUIS-BAR SYNDROME; Cerebello-oculocutaneous telangiectasia; Immunodeficiency with ataxia telangiectasia; AT, COMPLEMENTATION GROUP C; Ataxia-telangiectasia, complementation group D; ATAXIA-TELANGIECTASIA, COMPLEMENTATION GROUP A. Identifiers: Orphanet 100, MedGen C0004135, MONDO:0008840, OMIM 208900.

Allele frequency attached by ClinVar (database versions not stated): ExAC 0.00001; gnomAD exomes below 0.00001.

Submissions (2):

Labcorp Genetics (formerly Invitae), Labcorp
Classification: Uncertain significance for Ataxia-telangiectasia syndrome. Last evaluated: 2024-06-10. Review status: criteria provided, single submitter. Criteria: Invitae Variant Classification Sherloc (09022015). Collection method: clinical testing. Allele origin: germline.
Comment: This sequence change replaces threonine, which is neutral and polar, with isoleucine, which is neutral and non-polar, at codon 1314 of the ATM protein (p.Thr1314Ile). This variant is present in population databases (rs751678973, gnomAD 0.0009%). This variant has not been reported in the literature in individuals affected with ATM-related conditions. ClinVar contains an entry for this variant (Variation ID: 481125). Algorithms developed to predict the effect of missense changes on protein structure and function output the following: SIFT: "Not Available"; PolyPhen-2: "Benign"; Align-GVGD: "Not Available". The isoleucine amino acid residue is found in multiple mammalian species, which suggests that this missense change does not adversely affect protein function. In summary, the available evidence is currently insufficient to determine the role of this variant in disease. Therefore, it has been classified as a Variant of Uncertain Significance.

Ambry Genetics
Classification: Uncertain significance for Hereditary cancer-predisposing syndrome. Last evaluated: 2023-12-29. Review status: criteria provided, single submitter. Criteria: Ambry Variant Classification Scheme 2023. Collection method: clinical testing. Allele origin: germline.
Comment: The p.T1314I variant (also known as c.3941C>T), located in coding exon 25 of the ATM gene, results from a C to T substitution at nucleotide position 3941. The threonine at codon 1314 is replaced by isoleucine, an amino acid with similar properties. This amino acid position is not well conserved in available vertebrate species. In addition, this alteration is predicted to be tolerated by in silico analysis. Since supporting evidence is limited at this time, the clinical significance of this alteration remains unclear.

NM_000051.4(ATM):c.3941C>T (p.Thr1314Ile)

Gene: ATM (ATM serine/threonine kinase; plus strand). Cytogenetic location: 11q22.3.
Variant type: single nucleotide variant.
Coding change: c.3941C>T on transcript NM_000051.4 (MANE Select); coding-DNA position 3941, C replaced by T.
Protein change: p.Thr1314Ile; replaces threonine 1314 with isoleucine.
Molecular consequence: missense variant.
Genome position (GRCh38, 1-based): chr11:108,284,421, C>T. VCF-style: chr11-108284421-C-T. GRCh37 (hg19) VCF-style: chr11-108155148-C-T.
Other names: c.3941C>T, p.Thr1314Ile (NM_001351834.2); short protein forms T1314I.
Identifiers: ClinVar variation 481125 (VCV000481125.10), dbSNP rs751678973, ClinGen allele CA6265365.
Genomic context (GRCh38, chr11:108,284,421, plus strand): 5'-TTCTTCCTTATTTTGCCTATGAGGGTACCAGAGACAGTGGGATGGCACAGCAAAGAGAGA[C>T]TGCTACCAAGGTCTATGATATGCTTAAAAGTGAAAACTTATTGGGAAAACAGGTATGGCT-3'
Protein context (NP_000042.3, residues 1304-1324): RDSGMAQQRE[Thr1314Ile]ATKVYDMLKS